The following is an entry in ClinVar:

NM_003119.4(SPG7):c.759-2A>G

Gene: SPG7 (SPG7 matrix AAA peptidase subunit, paraplegin; plus strand). Cytogenetic location: 16q24.3.
Variant type: single nucleotide variant.
Coding change: c.759-2A>G on transcript NM_003119.4 (MANE Select); the canonical splice acceptor site of the intron before coding-DNA position 759, A replaced by G.
Molecular consequence: splice acceptor variant.
Genome position (GRCh38, 1-based): chr16:89,529,475, A>G. VCF-style: chr16-89529475-A-G. GRCh37 (hg19) VCF-style: chr16-89595883-A-G.
Other names: c.759-2A>G (NM_001363850.1, NM_199367.3).
Identifiers: ClinVar variation 949570 (VCV000949570.21), dbSNP rs770299071, ClinGen allele CA8243777.

ClinVar aggregate classification (germline): Pathogenic/Likely pathogenic. Review status: criteria provided, multiple submitters, no conflicts (2 of 4 stars). 8 submissions from 8 submitters: Pathogenic (3); Likely pathogenic (4). 1 of the submissions does not count toward it. Last evaluated 2024-09-11.

Conditions:
Hereditary spastic paraplegia 7 (SPG7). Also called: SPG7-related neurologic disorder; Spastic paraplegia 7; Hereditary spastic paraplegia Paraplegin type; Autosomal recessive spastic paraplegia type 7; SPASTIC PARAPLEGIA 7, AUTOSOMAL RECESSIVE, WITH OR WITHOUT CEREBELLAR ATAXIA. Identifiers: Orphanet 99013, MedGen C1846564, MONDO:0011803, OMIM 607259.

Allele frequency attached by ClinVar (database versions not stated): TOPMed below 0.00001; ExAC 0.00001; gnomAD exomes 0.00001.
gnomAD v4.1: 8 of 1,609,184 alleles (0.0005%); highest among the groups gnomAD compares: East Asian, 0.0022%; no homozygotes.

Submissions (8):

GeneDx
Classification: Pathogenic. Last evaluated: 2024-09-11. Review status: criteria provided, single submitter. Criteria: GeneDx Variant Classification Process June 2021. Collection method: clinical testing. Allele origin: germline. Affected: yes.
Comment: Canonical splice site variant predicted to result in a null allele in a gene for which loss of function is a known mechanism of disease; Not observed at significant frequency in large population cohorts (gnomAD); Has not been previously published as pathogenic or benign in association with SPG7-related spastic paraplegia to our knowledge

Labcorp Genetics (formerly Invitae), Labcorp
Classification: Pathogenic for Hereditary spastic paraplegia 7. Last evaluated: 2024-06-15. Review status: criteria provided, single submitter. Criteria: Invitae Variant Classification Sherloc (09022015). Collection method: clinical testing. Allele origin: germline.
Comment: This sequence change affects an acceptor splice site in intron 5 of the SPG7 gene. It is expected to disrupt RNA splicing. Variants that disrupt the donor or acceptor splice site typically lead to a loss of protein function (PMID: 16199547), and loss-of-function variants in SPG7 are known to be pathogenic (PMID: 21623769, 22964162). This variant is present in population databases (rs770299071, gnomAD 0.002%). Disruption of this splice site has been observed in individuals with clinical features of hereditary spastic paraplegia (Invitae). ClinVar contains an entry for this variant (Variation ID: 949570). Algorithms developed to predict the effect of sequence changes on RNA splicing suggest that this variant may disrupt the consensus splice site. For these reasons, this variant has been classified as Pathogenic.

Fulgent Genetics
Classification: Likely pathogenic for Hereditary spastic paraplegia 7. Last evaluated: 2024-03-15. Review status: criteria provided, single submitter. Criteria: ACMG Guidelines, 2015. Collection method: clinical testing. Allele origin: germline.

3billion
Classification: Pathogenic for Hereditary spastic paraplegia 7. Last evaluated: 2022-09-01. Review status: criteria provided, single submitter. Criteria: ACMG Guidelines, 2015. Collection method: clinical testing. Allele origin: germline. Affected: yes. Observed: 1 heterozygote.
Comment: The variant is observed at an extremely low frequency in the gnomAD v2.1.1 dataset (total allele frequency: <0.001%). Canonical splice site is predicted to alter splicing and result in a loss or disruption of normal protein function. Multiple pathogenic loss-of-function variants are reported downstream of the variant. The variant has been reported at least twice as pathogenic without evidence for the classification (ClinVar ID: VCV000949570). Therefore, this variant is classified as Pathogenic according to the recommendation of ACMG/AMP guideline.

Mayo Clinic Laboratories, Mayo Clinic
Classification: Likely pathogenic. Last evaluated: 2021-04-16. Review status: criteria provided, single submitter. Criteria: ACMG Guidelines, 2015. Collection method: clinical testing. Allele origin: germline.
Comment: PVS1, PM2

Institute of Medical Genetics and Applied Genomics, University Hospital Tübingen
Classification: Likely pathogenic. Last evaluated: 2020-10-23. Review status: criteria provided, single submitter. Criteria: ACMG Guidelines, 2015. Collection method: clinical testing. Allele origin: germline. Inheritance: Unknown mechanism. Affected: yes.

ARUP Laboratories, Molecular Genetics and Genomics, ARUP Laboratories
Classification: Likely pathogenic for Hereditary spastic paraplegia 7. Review status: criteria provided, single submitter. Criteria: ARUP Molecular Germline Variant Investigation Process 2024. Collection method: clinical testing. Allele origin: germline.
Comment: The SPG7 c.759-2A>G variant (rs770299071), to our knowledge, is not reported in the medical literature but is reported in ClinVar (Variation ID: 949570). This variant is only observed on two alleles in the Genome Aggregation Database (v2.1.1), indicating it is not a common polymorphism. This variant disrupts the canonical splice acceptor site of intron 5, which is likely to negatively impact gene function. Based on available information, this variant is considered to be likely pathogenic.

Clinical Genetics Laboratory, University Hospital Schleswig-Holstein
Classification: Pathogenic for Hereditary spastic paraplegia 7. Last evaluated: 2023-11-07. Review status: no assertion criteria provided. Collection method: clinical testing. Allele origin: germline. Affected: yes. Not counted in ClinVar's aggregate classification.

Literature cited by the submitters: PubMed 16199547 (cited by Labcorp Genetics (formerly Invitae), Labcorp); PubMed 21623769 (cited by Labcorp Genetics (formerly Invitae), Labcorp); PubMed 22964162 (cited by Labcorp Genetics (formerly Invitae), Labcorp).